The following is an entry in ClinVar:

ClinVar aggregate classification (germline): Pathogenic. Review status: criteria provided, multiple submitters, no conflicts (2 of 4 stars). 2 submissions from 2 submitters: Pathogenic (2). Last evaluated 2025-05-31.

Conditions:
Abetalipoproteinaemia (ABL). Also called: Abetalipoproteinemia; Abetalipoproteinemia neuropathy; Apolipoprotein B deficiency; Congenital betalipoprotein deficiency syndrome; MTP DEFICIENCY. Identifiers: Orphanet 14, MedGen C0000744, MONDO:0008692, OMIM 200100, HP:0008181.

Submissions (2):

Myriad Genetics, Inc.
Classification: Pathogenic for Abetalipoproteinaemia. Last evaluated: 2025-05-31. Review status: criteria provided, single submitter. Criteria: Myriad Autosomal Dominant, Autosomal Recessive and X-Linked Classification Criteria (2023). Collection method: clinical testing. Allele origin: unknown.
Comment: NM_000253.2(MTTP):c.534C>A(Y178*) is expected to be pathogenic in the context of abetalipoproteinemia. This variant is predicted to lead to an abnormal or absent protein product due to the creation of a premature termination codon in MTTP, a gene where loss-of-function variants are known to be pathogenic. Please note: this variant was assessed in the context of healthy population screening.

Labcorp Genetics (formerly Invitae), Labcorp
Classification: Pathogenic. Last evaluated: 2021-06-05. Review status: criteria provided, single submitter. Criteria: Invitae Variant Classification Sherloc (09022015). Collection method: clinical testing. Allele origin: germline.
Comment: For these reasons, this variant has been classified as Pathogenic. This variant has not been reported in the literature in individuals with MTTP-related conditions. This variant is not present in population databases (ExAC no frequency). This sequence change creates a premature translational stop signal (p.Tyr178*) in the MTTP gene. It is expected to result in an absent or disrupted protein product. Loss-of-function variants in MTTP are known to be pathogenic (PMID: 8533758, 9671739).

Literature cited by the submitters: PubMed 8533758 (cited by Labcorp Genetics (formerly Invitae), Labcorp); PubMed 9671739 (cited by Labcorp Genetics (formerly Invitae), Labcorp).

NM_001386140.1(MTTP):c.534C>A (p.Tyr178Ter)

Gene: MTTP (microsomal triglyceride transfer protein; plus strand). Cytogenetic location: 4q23.
Variant type: single nucleotide variant.
Coding change: c.534C>A on transcript NM_001386140.1 (MANE Select); coding-DNA position 534, C replaced by A.
Protein change: p.Tyr178Ter; replaces tyrosine 178 with a stop codon.
Molecular consequence: nonsense.
Genome position (GRCh38, 1-based): chr4:99,591,267, C>A. VCF-style: chr4-99591267-C-A. GRCh37 (hg19) VCF-style: chr4-100512424-C-A.
Other names: c.534C>A, p.Tyr178Ter (NM_000253.4); c.285C>A, p.Tyr95Ter (NM_001300785.2); short protein forms Y178*, Y95*.
Identifiers: ClinVar variation 1455229 (VCV001455229.7), dbSNP rs776885561, ClinGen allele CA357504391.